The following is an entry in ClinVar:

NM_000059.4(BRCA2):c.2887A>G (p.Ile963Val)

Gene: BRCA2 (BRCA2 DNA repair associated; plus strand). Cytogenetic location: 13q13.1.
Variant type: single nucleotide variant.
Coding change: c.2887A>G on transcript NM_000059.4 (MANE Select); coding-DNA position 2887, A replaced by G.
Protein change: p.Ile963Val; replaces isoleucine 963 with valine.
Molecular consequence: missense variant.
Genome position (GRCh38, 1-based): chr13:32,337,242, A>G. VCF-style: chr13-32337242-A-G. GRCh37 (hg19) VCF-style: chr13-32911379-A-G.
Other names: c.2887A>G, p.Ile963Val (NM_001406719.1, NM_001406720.1); short protein forms I963V.
Identifiers: ClinVar variation 1797232 (VCV001797232.5), dbSNP rs2137490936, ClinGen allele CA387774103.

ClinVar aggregate classification (germline): Conflicting classifications of pathogenicity. Review status: criteria provided, conflicting classifications (1 of 4 stars). 2 submissions from 2 submitters: Uncertain significance (1); Likely benign (1). Last evaluated 2025-09-26.

Conditions:
Hereditary cancer-predisposing syndrome. Also called: Tumor predisposition; Hereditary Cancer Syndrome; Neoplastic Syndromes, Hereditary; Hereditary neoplastic syndrome. Identifiers: Orphanet 140162, MedGen C0027672, MeSH D009386, MONDO:0015356.

Submissions (2):

Ambry Genetics
Classification: Uncertain significance for Hereditary cancer-predisposing syndrome. Last evaluated: 2025-09-26. Review status: criteria provided, single submitter. Criteria: Ambry Variant Classification Scheme 2023. Collection method: clinical testing. Allele origin: germline.
Comment: The p.I963V variant (also known as c.2887A>G), located in coding exon 10 of the BRCA2 gene, results from an A to G substitution at nucleotide position 2887. The isoleucine at codon 963 is replaced by valine, an amino acid with highly similar properties. This amino acid position is poorly conserved in available vertebrate species. In addition, this alteration is predicted to be tolerated by in silico analysis. Since supporting evidence is limited at this time, the clinical significance of this alteration remains unclear.

University of Washington Department of Laboratory Medicine, University of Washington
Classification: Likely benign for Hereditary cancer-predisposing syndrome. Last evaluated: 2023-03-23. Review status: criteria provided, single submitter. Criteria: Dines et al. (Genet Med. 2020). Collection method: curation. Allele origin: germline.
Comment: Missense variant in a coldspot region where missense variants are very unlikely to be pathogenic (PMID:31911673).

BRCA2 exon 11 coldspot. Reclassification based on statistical prior probability.